The following is an entry in ClinVar:

ClinVar aggregate classification (germline): Benign (1 of 4 stars; one submission).

Allele frequency attached by ClinVar (database versions not stated): gnomAD 0.15179 and 0.16266; TOPMed 0.17375; 1000 Genomes Project 30x 0.30543; 1000 Genomes Project 0.31530.
gnomAD v4.1: 24,717 of 152,034 alleles (16%); highest among the groups gnomAD compares: East Asian, 70%; 3,255 homozygotes.

Submission:

GeneDx
Classification: Benign. Last evaluated: 2018-06-14. Review status: criteria provided, single submitter. Criteria: GeneDx Variant Classification (06012015). Collection method: clinical testing. Allele origin: germline. Affected: yes.
Comment: This variant is considered likely benign or benign based on one or more of the following criteria: it is a conservative change, it occurs at a poorly conserved position in the protein, it is predicted to be benign by multiple in silico algorithms, and/or has population frequency not consistent with disease.

NM_022041.4(GAN):c.1237-261G>A

Gene: GAN (gigaxonin; plus strand). Cytogenetic location: 16q23.2.
Variant type: single nucleotide variant.
Coding change: c.1237-261G>A on transcript NM_022041.4 (MANE Select); 261 bases into the intron before coding-DNA position 1237, G replaced by A.
Molecular consequence: intron variant.
Genome position (GRCh38, 1-based): chr16:81,364,713, G>A. VCF-style: chr16-81364713-G-A. GRCh37 (hg19) VCF-style: chr16-81398318-G-A.
Other names: c.598-261G>A (NM_001377486.1).
Identifiers: ClinVar variation 669770 (VCV000669770.1), dbSNP rs9930065, ClinGen allele CA14303622.